The following is an entry in ClinVar:

ClinVar aggregate classification (germline): Benign (1 of 4 stars; one submission).

Conditions:
Xeroderma pigmentosum variant type. Also called: POLH-Related Xeroderma Pigmentosum; PHOTOSENSITIVITY WITH DEFECTIVE DNA SYNTHESIS; XERODERMA PIGMENTOSUM WITH NORMAL DNA REPAIR RATES. Identifiers: Orphanet 90342, MedGen C1848410, MONDO:0010214, OMIM 278750.

Allele frequency attached by ClinVar (database versions not stated): gnomAD 0.02154 and 0.02324; 1000 Genomes Project 30x 0.02405; 1000 Genomes Project 0.02416; TOPMed 0.02464.

Submission:

Illumina Laboratory Services, Illumina
Classification: Benign for Xeroderma pigmentosum variant type. Last evaluated: 2018-01-13. Review status: criteria provided, single submitter. Criteria: ICSL Variant Classification Criteria 13 December 2019. Collection method: clinical testing. Allele origin: germline.
Comment: This variant was observed in the ICSL laboratory as part of a predisposition screen in an ostensibly healthy population. It had not been previously curated by ICSL or reported in the Human Gene Mutation Database (HGMD: prior to June 1st, 2018), and was therefore a candidate for classification through an automated scoring system. Utilizing variant allele frequency, disease prevalence and penetrance estimates, and inheritance mode, an automated score was calculated to assess if this variant is too frequent to cause the disease. Based on the score and internal cut-off values, a variant classified as benign is not then subjected to further curation. The score for this variant resulted in a classification of benign for this disease.

NM_006502.3(POLH):c.*1055A>T

Gene: POLH (DNA polymerase eta; plus strand). Cytogenetic location: 6p21.1.
Variant type: single nucleotide variant.
Coding change: c.*1055A>T on transcript NM_006502.3 (MANE Select); 1055 bases downstream of the stop codon, A replaced by T.
Molecular consequence: 3 prime UTR variant.
Genome position (GRCh38, 1-based): chr6:43,615,612, A>T. VCF-style: chr6-43615612-A-T. GRCh37 (hg19) VCF-style: chr6-43583349-A-T.
Other names: c.*1055A>T (NM_001291969.2); c.*1881A>T (NM_001291970.2).
Identifiers: ClinVar variation 356932 (VCV000356932.7), dbSNP rs115129476, ClinGen allele CA10622163.